The following is an entry in ClinVar:

NM_017662.5(TRPM6):c.3330C>A (p.His1110Gln)

Gene: TRPM6 (transient receptor potential cation channel subfamily M member 6; minus strand). Cytogenetic location: 9q21.13.
Variant type: single nucleotide variant.
Coding change: c.3330C>A on transcript NM_017662.5 (MANE Select); coding-DNA position 3330, C replaced by A.
Protein change: p.His1110Gln; replaces histidine 1110 with glutamine.
Molecular consequence: missense variant.
Genome position (GRCh38, 1-based): chr9:74,775,956, G>T on the plus strand (C>A on the coding strand, the complement: TRPM6 is on the minus strand). VCF-style: chr9-74775956-G-T. GRCh37 (hg19) VCF-style: chr9-77390872-G-T.
Other names: c.3315C>A, p.His1105Gln (NM_001177310.2, NM_001177311.2); short protein forms H1105Q, H1110Q.
Identifiers: ClinVar variation 1312269 (VCV001312269.5), dbSNP rs368851886, ClinGen allele CA5084312.

ClinVar aggregate classification (germline): Uncertain significance. Review status: criteria provided, multiple submitters, no conflicts (2 of 4 stars). 4 submissions from 4 submitters: Uncertain significance (4). Last evaluated 2025-01-19.

Conditions:
Inborn genetic diseases. Identifiers: MedGen C0950123, MeSH D030342.
Intestinal hypomagnesemia 1. Also called: HYPOMAGNESEMIA, INTESTINAL, WITH SECONDARY HYPOCALCEMIA; HYPOMAGNESEMIC TETANY. Identifiers: Orphanet 30924, MedGen C1865974, MONDO:0011176, OMIM 602014.

gnomAD v4.1: 65 of 1,614,080 alleles (0.004%); highest among the groups gnomAD compares: Admixed American, 0.032%; no homozygotes.

Submissions (4):

Ambry Genetics
Classification: Uncertain significance for Inborn genetic diseases. Last evaluated: 2025-01-19. Review status: criteria provided, single submitter. Criteria: Ambry Variant Classification Scheme 2023. Collection method: clinical testing. Allele origin: germline.

Fulgent Genetics
Classification: Uncertain significance for Intestinal hypomagnesemia 1. Last evaluated: 2024-05-10. Review status: criteria provided, single submitter. Criteria: ACMG Guidelines, 2015. Collection method: clinical testing. Allele origin: germline.

Labcorp Genetics (formerly Invitae), Labcorp
Classification: Uncertain significance. Last evaluated: 2022-06-15. Review status: criteria provided, single submitter. Criteria: Invitae Variant Classification Sherloc (09022015). Collection method: clinical testing. Allele origin: germline.
Comment: This sequence change replaces histidine, which is basic and polar, with glutamine, which is neutral and polar, at codon 1110 of the TRPM6 protein (p.His1110Gln). This variant is present in population databases (rs368851886, gnomAD 0.05%). This variant has not been reported in the literature in individuals affected with TRPM6-related conditions. ClinVar contains an entry for this variant (Variation ID: 1312269). Algorithms developed to predict the effect of missense changes on protein structure and function are either unavailable or do not agree on the potential impact of this missense change (SIFT: "Deleterious"; PolyPhen-2: "Possibly Damaging"; Align-GVGD: "Class C15"). In summary, the available evidence is currently insufficient to determine the role of this variant in disease. Therefore, it has been classified as a Variant of Uncertain Significance.

GeneDx
Classification: Uncertain significance. Last evaluated: 2020-01-31. Review status: criteria provided, single submitter. Criteria: GeneDx Variant Classification Process June 2021. Collection method: clinical testing. Allele origin: germline. Affected: yes.
Comment: In silico analysis supports that this missense variant has a deleterious effect on protein structure/function; Has not been previously published as pathogenic or benign to our knowledge